The following is an entry in ClinVar:

ClinVar aggregate classification (germline): Uncertain significance (1 of 4 stars; one submission).

gnomAD v4.1: 7 of 1,614,082 alleles (0.00043%); highest among the groups gnomAD compares: Non-Finnish European, 0.00059%; no homozygotes.

Submission:

Women's Health and Genetics/Laboratory Corporation of America, LabCorp
Classification: Uncertain significance. Last evaluated: 2026-04-24. Review status: criteria provided, single submitter. Criteria: LabCorp Variant Classification Summary - May 2015. Collection method: clinical testing. Allele origin: germline.
Comment: Variant summary: KMT2C c.6259C>G (p.His2087Asp) results in a non-conservative amino acid change in the encoded protein sequence. Algorithms developed to predict the effect of missense changes on protein structure and function are either unavailable or do not agree on the potential impact of this missense change. The variant allele was found at a frequency of 4e-06 in 251154 control chromosomes. The available data on variant occurrences in the general population are insufficient to allow any conclusion about variant significance. To our knowledge, no occurrence of c.6259C>G in individuals affected with KMT2C-related conditions and no experimental evidence demonstrating its impact on protein function have been reported. No submitters have cited clinical-significance assessments for this variant to ClinVar. Based on the evidence outlined above, the variant was classified as uncertain significance.

NM_170606.3(KMT2C):c.6259C>G (p.His2087Asp)

Gene: KMT2C (lysine methyltransferase 2C; minus strand). Cytogenetic location: 7q36.1.
Variant type: single nucleotide variant.
Coding change: c.6259C>G on transcript NM_170606.3 (MANE Select); coding-DNA position 6259, C replaced by G.
Protein change: p.His2087Asp; replaces histidine 2087 with aspartic acid.
Molecular consequence: missense variant.
Genome position (GRCh38, 1-based): chr7:152,181,601, G>C on the plus strand (C>G on the coding strand, the complement: KMT2C is on the minus strand). VCF-style: chr7-152181601-G-C. GRCh37 (hg19) VCF-style: chr7-151878686-G-C.
Other names: short protein forms H2087D.
Identifiers: ClinVar variation 4849102 (VCV004849102.1).